The following is an entry in ClinVar:

NM_001164508.2(NEB):c.5881C>T (p.Arg1961Cys)

Gene: NEB (nebulin; minus strand). Cytogenetic location: 2q23.3.
Variant type: single nucleotide variant.
Coding change: c.5881C>T on transcript NM_001164508.2 (MANE Select); coding-DNA position 5881, C replaced by T.
Protein change: p.Arg1961Cys; replaces arginine 1961 with cysteine.
Molecular consequence: missense variant.
Genome position (GRCh38, 1-based): chr2:151,662,224, G>A on the plus strand (C>T on the coding strand, the complement: NEB is on the minus strand). VCF-style: chr2-151662224-G-A. GRCh37 (hg19) VCF-style: chr2-152518738-G-A.
Other names: c.5881C>T, p.Arg1961Cys (NM_001164507.2, NM_001271208.2, NM_004543.5); short protein forms R1961C.
Identifiers: ClinVar variation 2057572 (VCV002057572.5), dbSNP rs371938654, ClinGen allele CA1910251.

ClinVar aggregate classification (germline): Conflicting classifications of pathogenicity. Review status: criteria provided, conflicting classifications (1 of 4 stars). 2 submissions from 2 submitters: Uncertain significance (1); Likely benign (1). Last evaluated 2025-10-02.

Conditions:
Inborn genetic diseases. Identifiers: MedGen C0950123, MeSH D030342.
Nemaline myopathy 2 (NEM2). Also called: Nemaline myopathy 2, autosomal recessive. Identifiers: MedGen C1850569, MONDO:0009725, OMIM 256030.

Allele frequency attached by ClinVar (database versions not stated): ExAC 0.00002; gnomAD 0.00003; TOPMed 0.00003; gnomAD exomes 0.00006; ESP Exome Variant Server 0.00008.
gnomAD v4.1: 84 of 1,613,458 alleles (0.0052%); highest among the groups gnomAD compares: African/African-American, 0.008%; no homozygotes.

Submissions (2):

Labcorp Genetics (formerly Invitae), Labcorp
Classification: Likely benign for Nemaline myopathy 2. Last evaluated: 2025-10-02. Review status: criteria provided, single submitter. Criteria: Invitae Variant Classification Sherloc (09022015). Collection method: clinical testing. Allele origin: germline.

Ambry Genetics
Classification: Uncertain significance for Inborn genetic diseases. Last evaluated: 2022-09-22. Review status: criteria provided, single submitter. Criteria: Ambry Variant Classification Scheme 2023. Collection method: clinical testing. Allele origin: germline.
Comment: The c.5881C>T (p.R1961C) alteration is located in exon 46 (coding exon 44) of the NEB gene. This alteration results from a C to T substitution at nucleotide position 5881, causing the arginine (R) at amino acid position 1961 to be replaced by a cysteine (C). Based on data from gnomAD, the T allele has an overall frequency of 0.002% (5/249006) total alleles studied. The highest observed frequency was 0.013% (2/15470) of African alleles. This amino acid position is highly conserved in available vertebrate species. This alteration is predicted to be tolerated by in silico analysis. Based on insufficient or conflicting evidence, the clinical significance of this alteration remains unclear.